The following is an entry in ClinVar:

ClinVar aggregate classification (germline): Uncertain significance (1 of 4 stars; one submission).

Submission:

Labcorp Genetics (formerly Invitae), Labcorp
Classification: Uncertain significance. Last evaluated: 2019-12-06. Review status: criteria provided, single submitter. Criteria: Invitae Variant Classification Sherloc (09022015). Collection method: clinical testing. Allele origin: germline.
Comment: In summary, the available evidence is currently insufficient to determine the role of this variant in disease. Therefore, it has been classified as a Variant of Uncertain Significance. Algorithms developed to predict the effect of missense changes on protein structure and function are either unavailable or do not agree on the potential impact of this missense change (SIFT: "Deleterious"; PolyPhen-2: "Probably Damaging"; Align-GVGD: "Class C0"). This variant has not been reported in the literature in individuals with MYO7A-related conditions. This variant is not present in population databases (ExAC no frequency). This sequence change replaces histidine with arginine at codon 532 of the MYO7A protein (p.His532Arg). The histidine residue is highly conserved and there is a small physicochemical difference between histidine and arginine.

NM_000260.4(MYO7A):c.1595A>G (p.His532Arg)

Gene: MYO7A (myosin VIIA; plus strand). Cytogenetic location: 11q13.5.
Variant type: single nucleotide variant.
Coding change: c.1595A>G on transcript NM_000260.4 (MANE Select); coding-DNA position 1595, A replaced by G.
Protein change: p.His532Arg; replaces histidine 532 with arginine.
Molecular consequence: missense variant.
Genome position (GRCh38, 1-based): chr11:77,162,893, A>G. VCF-style: chr11-77162893-A-G. GRCh37 (hg19) VCF-style: chr11-76873939-A-G.
Other names: c.1595A>G, p.His532Arg (NM_001127180.2); c.1562A>G, p.His521Arg (NM_001369365.1); short protein forms H521R, H532R.
Identifiers: ClinVar variation 850829 (VCV000850829.9), dbSNP rs1591299372, ClinGen allele CA381936062.